The following is an entry in ClinVar:

ClinVar aggregate classification (germline): Uncertain significance (1 of 4 stars; one submission).

Conditions:
Arrhythmogenic cardiomyopathy with wooly hair and keratoderma. Also called: Arrhythmogenic cardiomyopathy with woolly hair and keratoderma; PALMOPLANTAR KERATODERMA WITH LEFT VENTRICULAR CARDIOMYOPATHY AND WOOLLY HAIR; Dilated cardiomyopathy with woolly hair and keratoderma; Carvajal syndrome. Identifiers: Orphanet 65282, MedGen C1854063, MONDO:0011581, OMIM 605676.
Arrhythmogenic right ventricular dysplasia 8 (ARVD8). Also called: Arrhythmogenic Right Ventricular Dysplasia/Cardiomyopathy 8; ARRHYTHMOGENIC RIGHT VENTRICULAR CARDIOMYOPATHY 8; ARRHYTHMOGENIC RIGHT VENTRICULAR DYSPLASIA, FAMILIAL, 8. Identifiers: MedGen C1843896, MONDO:0011831, OMIM 607450.

Allele frequency attached by ClinVar (database versions not stated): gnomAD exomes below 0.00001.
gnomAD v4.1: 1 of 1,613,594 alleles (0.000062%); highest among the groups gnomAD compares: Non-Finnish European, 0.000085%; no homozygotes.

Submission:

Labcorp Genetics (formerly Invitae), Labcorp
Classification: Uncertain significance for Arrhythmogenic cardiomyopathy with wooly hair and keratoderma; Arrhythmogenic right ventricular dysplasia 8. Last evaluated: 2021-12-18. Review status: criteria provided, single submitter. Criteria: Invitae Variant Classification Sherloc (09022015). Collection method: clinical testing. Allele origin: germline.
Comment: This sequence change replaces serine, which is neutral and polar, with proline, which is neutral and non-polar, at codon 1841 of the DSP protein (p.Ser1841Pro). This variant is not present in population databases (gnomAD no frequency). This variant has not been reported in the literature in individuals affected with DSP-related conditions. Algorithms developed to predict the effect of missense changes on protein structure and function (SIFT, PolyPhen-2, Align-GVGD) all suggest that this variant is likely to be tolerated. In summary, the available evidence is currently insufficient to determine the role of this variant in disease. Therefore, it has been classified as a Variant of Uncertain Significance.

NM_004415.4(DSP):c.5521T>C (p.Ser1841Pro)

Gene: DSP (desmoplakin; plus strand). Cytogenetic location: 6p24.3.
Variant type: single nucleotide variant.
Coding change: c.5521T>C on transcript NM_004415.4 (MANE Select); coding-DNA position 5521, T replaced by C.
Protein change: p.Ser1841Pro; replaces serine 1841 with proline.
Molecular consequence: missense variant.
Genome position (GRCh38, 1-based): chr6:7,582,783, T>C. VCF-style: chr6-7582783-T-C. GRCh37 (hg19) VCF-style: chr6-7583016-T-C.
Other names: c.3724T>C, p.Ser1242Pro (NM_001008844.3); c.4192T>C, p.Ser1398Pro (NM_001319034.2); short protein forms S1841P, S1242P, S1398P.
Identifiers: ClinVar variation 1926353 (VCV001926353.5), dbSNP rs2113698042, ClinGen allele CA362688807.
Genomic context (GRCh38, chr6:7,582,783, plus strand): 5'-GTCCTGGAGCAAGACAAGGCAAGGCTGCAGAGGCTGGAGGATGAGCTGAATCGTGCAAAA[T>C]CAACTCTAGAGGCAGAAACCAGGGTGAAACAGCGCCTGGAGTGTGAGAAACAGCAAATTC-3'
Protein context (NP_004406.2, residues 1831-1851): RLEDELNRAK[Ser1841Pro]TLEAETRVKQ